The following is an entry in ClinVar:

NM_001110556.2(FLNA):c.5125G>T (p.Asp1709Tyr)

Gene: FLNA (filamin A; minus strand). Cytogenetic location: Xq28.
Variant type: single nucleotide variant.
Coding change: c.5125G>T on transcript NM_001110556.2 (MANE Select); coding-DNA position 5125, G replaced by T.
Protein change: p.Asp1709Tyr; replaces aspartic acid 1709 with tyrosine.
Molecular consequence: missense variant.
Genome position (GRCh38, 1-based): chrX:154,354,917, C>A on the plus strand (G>T on the coding strand, the complement: FLNA is on the minus strand). VCF-style: chrX-154354917-C-A. GRCh37 (hg19) VCF-style: chrX-153583285-C-A.
Other names: c.5101G>T, p.Asp1701Tyr (NM_001456.4); short protein forms D1701Y, D1709Y.
Identifiers: ClinVar variation 1515745 (VCV001515745.7), dbSNP rs782286237, ClinGen allele CA415207679.
Genomic context (GRCh38, chrX:154,354,917, plus strand): 5'-CGCCACCAAAGCGCACACAGATGACGTATTTGCCCGGCTGGGGGGCCGTGTAGAAGATGT[C>A]GAAAGTGCCGTCCTCATTCTCCACCACGTCCACATCCACCTCTGAGCCATCAGGCGTGCA-3'
Protein context (NP_001104026.1, residues 1699-1719): DVVENEDGTF[Asp1709Tyr]IFYTAPQPGK

ClinVar aggregate classification (germline): Uncertain significance. Review status: criteria provided, multiple submitters, no conflicts (2 of 4 stars). 2 submissions from 2 submitters: Uncertain significance (2). Last evaluated 2026-03-18.

Conditions:
Heterotopia, periventricular, X-linked dominant (PVNH1). Also called: PERIVENTRICULAR NODULAR HETEROTOPIA 1; X-linked periventricular heterotopia; PERIVENTRICULAR NODULAR HETEROTOPIA 4; HETEROTOPIA, PERIVENTRICULAR, 1. Identifiers: Orphanet 2149, Orphanet 82004, MedGen C1848213, MONDO:0010233, OMIM 300049.
Melnick-Needles syndrome (MNS). Also called: Melnick-Needles Syndrome (FLNA-MNS); MELNICK-NEEDLES OSTEODYSPLASTY; OSTEODYSPLASTY OF MELNICK AND NEEDLES. Identifiers: Orphanet 2484, MedGen C0025237, MONDO:0010650, OMIM 309350.
Frontometaphyseal dysplasia (FMD1). Identifiers: Orphanet 1826, MedGen C0265293, MONDO:0015942.
Oto-palato-digital syndrome, type II (OPD2). Also called: Otopalatodigital Syndrome Type 2 (FLNA-OPD2); FACIOPALATOOSSEOUS SYNDROME; OPD II SYNDROME; Otopalatodigital Syndrome, Type II. Identifiers: Orphanet 669, Orphanet 90652, MedGen C1844696, MONDO:0010571, OMIM 304120.

Submissions (2):

Women's Health and Genetics/Laboratory Corporation of America, LabCorp
Classification: Uncertain significance. Last evaluated: 2026-03-18. Review status: criteria provided, single submitter. Criteria: LabCorp Variant Classification Summary - May 2015. Collection method: clinical testing. Allele origin: germline.
Comment: Variant summary: FLNA c.5125G>T (p.Asp1709Tyr) results in a non-conservative amino acid change in the encoded protein sequence. Algorithms developed to predict the effect of missense changes on protein structure and function all suggest that this variant is likely to be disruptive. The variant was absent in 181394 control chromosomes. The available data on variant occurrences in the general population are insufficient to allow any conclusion about variant significance. To our knowledge, no occurrence of c.5125G>T in individuals affected with FLNA-related conditions and no experimental evidence demonstrating its impact on protein function have been reported. ClinVar contains an entry for this variant (Variation ID: 1515745). Based on the evidence outlined above, the variant was classified as uncertain significance.

Labcorp Genetics (formerly Invitae), Labcorp
Classification: Uncertain significance for Oto-palato-digital syndrome, type II; Heterotopia, periventricular, X-linked dominant; Frontometaphyseal dysplasia; Melnick-Needles syndrome. Last evaluated: 2025-05-04. Review status: criteria provided, single submitter. Criteria: Invitae Variant Classification Sherloc (09022015). Collection method: clinical testing. Allele origin: germline.
Comment: This sequence change replaces aspartic acid, which is acidic and polar, with tyrosine, which is neutral and polar, at codon 1701 of the FLNA protein (p.Asp1701Tyr). This variant is not present in population databases (gnomAD no frequency). This variant has not been reported in the literature in individuals affected with FLNA-related conditions. ClinVar contains an entry for this variant (Variation ID: 1515745). Invitae Evidence Modeling of protein sequence and biophysical properties (such as structural, functional, and spatial information, amino acid conservation, physicochemical variation, residue mobility, and thermodynamic stability) indicates that this missense variant is not expected to disrupt FLNA protein function with a negative predictive value of 95%. In summary, the available evidence is currently insufficient to determine the role of this variant in disease. Therefore, it has been classified as a Variant of Uncertain Significance.